The following is an entry in ClinVar:

NM_004999.4(MYO6):c.2911A>G (p.Arg971Gly)

Gene: MYO6 (myosin VI; plus strand). Cytogenetic location: 6q14.1.
Variant type: single nucleotide variant.
Coding change: c.2911A>G on transcript NM_004999.4 (MANE Select); coding-DNA position 2911, A replaced by G.
Protein change: p.Arg971Gly; replaces arginine 971 with glycine.
Molecular consequence: missense variant. On other transcripts: non-coding transcript variant (1).
Genome position (GRCh38, 1-based): chr6:75,891,271, A>G. VCF-style: chr6-75891271-A-G. GRCh37 (hg19) VCF-style: chr6-76600988-A-G.
Other names: c.2911A>G, p.Arg971Gly (NM_001300899.2, NM_001368136.1, NM_001368137.1 and 2 more transcripts); c.2896A>G, p.Arg966Gly (NM_001368138.1); short protein forms R971G, R966G.
Identifiers: ClinVar variation 45150 (VCV000045150.5), dbSNP rs397517049, ClinGen allele CA135618.
Genomic context (GRCh38, chr6:75,891,271, plus strand): 5'-TTTCTATTTTTTATTAGGAAACTTGAGATGGAAGCAAAGAGAAAACAAGAAGAAGAAGAG[A>G]GAAAGAAAAGGGAAGATGATGAAAAACGCATTCAAGTATGTACTTACTGGGTTGAATTTC-3'
Protein context (NP_004990.3, residues 961-981): EAKRKQEEEE[Arg971Gly]KKREDDEKRI

ClinVar aggregate classification (germline): Uncertain significance (1 of 4 stars; one submission).

Allele frequency attached by ClinVar (database versions not stated): gnomAD exomes below 0.00001.
gnomAD v4.1: 1 of 1,609,756 alleles (0.000062%); highest among the groups gnomAD compares: Non-Finnish European, 0.000085%; no homozygotes.

Submission:

Laboratory for Molecular Medicine, Mass General Brigham Personalized Medicine
Classification: Uncertain significance. Last evaluated: 2011-11-15. Review status: criteria provided, single submitter. Criteria: LMM Criteria. Collection method: clinical testing. Allele origin: germline. Observed: 1 variant allele.
Comment: Variant classified as Uncertain Significance - Favor Benign. The Arg971Gly varia nt in MYO6 has not been reported in the literature nor previously identified by our laboratory. This residue is conserved across species and computational analy ses (biochemical amino acid properties, PolyPhen2, SIFT) suggest that the Arg971 Gly variant may impact the protein. However, this information is not predictive enough to assume pathogenicity. In summary, the clinical significance of this va riant cannot be determined with certainty at this time.